The following is an entry in ClinVar:

ClinVar aggregate classification (germline): Benign. Review status: reviewed by expert panel (3 of 4 stars). 23 submissions from 21 submitters: Benign (1). 22 of the submissions do not count toward it. Last evaluated 2025-11-11.

Conditions:
Myosin storage myopathy (CMYO7A). Also called: SCAPULOPERONEAL MUSCULAR DYSTROPHY; SCAPULOPERONEAL SYNDROME, MYOPATHIC TYPE; MYH7-related late-onset scapuloperoneal muscular dystrophy; Congenital myopathy 7A, myosin storage, autosomal dominant; MYOPATHY WITH LYSIS OF TYPE I MYOFIBRILS; Scapuloperoneal myopathy, MYH7-related. Identifiers: Orphanet 437572, Orphanet 636965, MedGen C1842160, MONDO:0008409, OMIM 608358.
Cardiovascular phenotype. Identifiers: MedGen CN230736.
Hypertrophic cardiomyopathy 1 (CMH1). Also called: MYH7-Related Familial Hypertrophic Cardiomyopathy; Familial hypertrophic cardiomyopathy 1. Identifiers: MedGen C3495498, MONDO:0008647, OMIM 192600.
MYH7-related skeletal myopathy. Also called: Laing distal myopathy; Myopathy, distal, 1; MYOPATHY, DISTAL, EARLY-ONSET, AUTOSOMAL DOMINANT; MYOPATHY, LATE DISTAL HEREDITARY; Laing early-onset distal myopathy. Identifiers: Orphanet 59135, MedGen C4552004, MONDO:0008050, OMIM 160500.
Cardiomyopathy (CMYO). Also called: Cardiomyopathies. Identifiers: Orphanet 167848, MedGen C0878544, MONDO:0004994, HP:0001638. Inheritance: Various modes of inheritance.
Hypertrophic cardiomyopathy. Also called: HYPERTROPHIC MYOCARDIOPATHY. Identifiers: Orphanet 217569, MedGen C0007194, MeSH D002312, MONDO:0005045, HP:0001639.

Allele frequency attached by ClinVar (database versions not stated): gnomAD exomes 0.00321 and 0.00829; ExAC 0.01053; gnomAD 0.03103 and 0.03319; 1000 Genomes Project 0.03295; ESP Exome Variant Server 0.03414; TOPMed 0.03506; 1000 Genomes Project 30x 0.03560.
gnomAD v4.1: 9,657 of 1,614,110 alleles (0.6%); highest among the groups gnomAD compares: African/African-American, 11%; 454 homozygotes.

Submissions (23):

ClinGen Cardiomyopathy Variant Curation Expert Panel
Classification: Benign for Hypertrophic cardiomyopathy. Last evaluated: 2025-11-11. Review status: reviewed by expert panel. Criteria: ClinGen CMP ACMG Specifications v1. Collection method: curation. Allele origin: germline. Inheritance: Autosomal dominant inheritance.
Comment: The filtering allele frequency of the c.1605A>G (p.Glu535=) variant in the MYH7 gene is 10.63% (1162/10406) of African chromosomes by the Exome Aggregation Consortium, which is a high enough frequency to be classified as benign based on thresholds defined by the ClinGen Inherited Cardiomyopathy Expert Panel (BA1; PMID:29300372).

Labcorp Genetics (formerly Invitae), Labcorp
Classification: Benign for Hypertrophic cardiomyopathy. Last evaluated: 2026-02-04. Review status: criteria provided, single submitter. Criteria: Invitae Variant Classification Sherloc (09022015). Collection method: clinical testing. Allele origin: germline. Not counted in ClinVar's aggregate classification.

ARUP Laboratories, Molecular Genetics and Genomics, ARUP Laboratories
Classification: Benign. Last evaluated: 2025-07-01. Review status: criteria provided, single submitter. Criteria: ARUP Molecular Germline Variant Investigation Process 2024. Collection method: clinical testing. Allele origin: germline. Not counted in ClinVar's aggregate classification.

Molecular Diagnostic Laboratory for Inherited Cardiovascular Disease, Montreal Heart Institute
Classification: Benign. Last evaluated: 2025-04-09. Review status: criteria provided, single submitter. Criteria: ACMG Guidelines, 2015. Collection method: clinical testing. Allele origin: germline. Affected: no. Not counted in ClinVar's aggregate classification.

Athena Diagnostics
Classification: Benign. Last evaluated: 2024-03-20. Review status: criteria provided, single submitter. Criteria: Athena Diagnostics Criteria. Collection method: clinical testing. Allele origin: unknown. Not counted in ClinVar's aggregate classification.

CHEO Genetics Diagnostic Laboratory, Children's Hospital of Eastern Ontario
Classification: Benign for Cardiomyopathy. Last evaluated: 2022-11-09. Review status: criteria provided, single submitter. Criteria: ACMG Guidelines, 2015. Collection method: clinical testing. Allele origin: germline. Not counted in ClinVar's aggregate classification.

Cohesion Phenomics
Classification: Benign for Cardiomyopathy. Last evaluated: 2022-10-10. Review status: criteria provided, single submitter. Criteria: ACMG Guidelines, 2015. Collection method: clinical testing. Allele origin: germline. Affected: yes. Not counted in ClinVar's aggregate classification.

Color Diagnostics, LLC DBA Color Health
Classification: Benign for Cardiomyopathy. Last evaluated: 2018-03-15. Review status: criteria provided, single submitter. Criteria: ACMG Guidelines, 2015. Collection method: clinical testing. Allele origin: germline. Not counted in ClinVar's aggregate classification.

Mayo Clinic Laboratories, Mayo Clinic
Classification: Benign. Last evaluated: 2018-01-18. Review status: criteria provided, single submitter. Criteria: ACMG Guidelines, 2015. Collection method: clinical testing. Allele origin: germline. Observed: 85 variant alleles. Not counted in ClinVar's aggregate classification.

Illumina Laboratory Services, Illumina
Classification: Benign for Myosin storage myopathy. Last evaluated: 2018-01-12. Review status: criteria provided, single submitter. Criteria: ICSL Variant Classification Criteria 13 December 2019. Collection method: clinical testing. Allele origin: germline. Not counted in ClinVar's aggregate classification.
Comment: This variant was observed in the ICSL laboratory as part of a predisposition screen in an ostensibly healthy population. It had not been previously curated by ICSL or reported in the Human Gene Mutation Database (HGMD: prior to June 1st, 2018), and was therefore a candidate for classification through an automated scoring system. Utilizing variant allele frequency, disease prevalence and penetrance estimates, and inheritance mode, an automated score was calculated to assess if this variant is too frequent to cause the disease. Based on the score and internal cut-off values, a variant classified as benign is not then subjected to further curation. The score for this variant resulted in a classification of benign for this disease.

Illumina Laboratory Services, Illumina
Classification: Benign for MYH7-related skeletal myopathy. Last evaluated: 2018-01-12. Review status: criteria provided, single submitter. Criteria: ICSL Variant Classification Criteria 13 December 2019. Collection method: clinical testing. Allele origin: germline. Not counted in ClinVar's aggregate classification.
Comment: the same text as in the submission from Illumina Laboratory Services, Illumina above.

Illumina Laboratory Services, Illumina
Classification: Benign for Hypertrophic cardiomyopathy 1. Last evaluated: 2018-01-12. Review status: criteria provided, single submitter. Criteria: ICSL Variant Classification Criteria 13 December 2019. Collection method: clinical testing. Allele origin: germline. Not counted in ClinVar's aggregate classification.
Comment: the same text as in the submission from Illumina Laboratory Services, Illumina above.

Ambry Genetics
Classification: Benign for Cardiovascular phenotype. Last evaluated: 2015-06-25. Review status: criteria provided, single submitter. Criteria: Ambry Variant Classification Scheme 2023. Collection method: clinical testing. Allele origin: germline. Not counted in ClinVar's aggregate classification.

GeneDx
Classification: Benign. Last evaluated: 2015-03-03. Review status: criteria provided, single submitter. Criteria: GeneDx Variant Classification Process June 2021. Collection method: clinical testing. Allele origin: germline. Affected: yes. Not counted in ClinVar's aggregate classification.

Genetic Services Laboratory, University of Chicago
Classification: Benign for AllHighlyPenetrant. Last evaluated: 2013-08-15. Review status: criteria provided, single submitter. Criteria: ACMG Guidelines, 2007. Collection method: clinical testing. Allele origin: germline. Inheritance: Autosomal dominant inheritance. Not counted in ClinVar's aggregate classification.

Laboratory for Molecular Medicine, Mass General Brigham Personalized Medicine
Classification: Benign. Last evaluated: 2010-07-08. Review status: criteria provided, single submitter. Criteria: LMM Criteria. Collection method: clinical testing. Allele origin: germline. Observed: 143 variant alleles. Not counted in ClinVar's aggregate classification.
Comment: This variant is not expected to have clinical significance because it does not a lter an amino acid residue and is not located near a splice junction. In additi on, this variant has been identified in 2.9% of the Black population (dbSNP:rs20 69543). In summary, this variant is highly likely to be benign.

Breakthrough Genomics
Classification: Benign. Review status: criteria provided, single submitter. Criteria: ACMG Guidelines, 2015. Collection method: not provided. Allele origin: germline. Inheritance: Autosomal recessive inheritance. Affected: yes. Not counted in ClinVar's aggregate classification.

PreventionGenetics, part of Exact Sciences
Classification: Benign. Review status: criteria provided, single submitter. Criteria: ACMG Guidelines, 2015. Collection method: clinical testing. Allele origin: germline. Not counted in ClinVar's aggregate classification.

Clinical Genetics DNA and cytogenetics Diagnostics Lab, Erasmus MC, Erasmus Medical Center
Classification: Benign. Review status: no assertion criteria provided. Collection method: clinical testing. Allele origin: germline. Affected: yes. Study: VKGL Data-share Consensus. Not counted in ClinVar's aggregate classification.

Clinical Genetics, Academic Medical Center
Classification: Benign. Review status: no assertion criteria provided. Collection method: clinical testing. Allele origin: germline. Affected: yes. Study: VKGL Data-share Consensus. Not counted in ClinVar's aggregate classification.

Diagnostic Laboratory, Department of Genetics, University Medical Center Groningen
Classification: Benign. Review status: no assertion criteria provided. Collection method: clinical testing. Allele origin: germline. Affected: yes. Study: VKGL Data-share Consensus. Not counted in ClinVar's aggregate classification.

Joint Genome Diagnostic Labs from Nijmegen and Maastricht, Radboudumc and MUMC+
Classification: Benign. Review status: no assertion criteria provided. Collection method: clinical testing. Allele origin: germline. Affected: yes. Study: VKGL Data-share Consensus. Not counted in ClinVar's aggregate classification.

Laboratory of Diagnostic Genome Analysis, Leiden University Medical Center (LUMC)
Classification: Likely benign. Review status: no assertion criteria provided. Collection method: clinical testing. Allele origin: germline. Affected: yes. Study: VKGL Data-share Consensus. Not counted in ClinVar's aggregate classification.

Literature cited by the submitters: PubMed 29300372 (cited by ClinGen Cardiomyopathy Variant Curation Expert Panel); PubMed 25342278 (cited by Athena Diagnostics); PubMed 21239446 (cited by Athena Diagnostics); PubMed 15769782 (cited by Athena Diagnostics); PubMed 24758099 (cited by Athena Diagnostics).

NM_000257.4(MYH7):c.1605A>G (p.Glu535=)

Gene: MYH7 (myosin heavy chain 7; minus strand). Cytogenetic location: 14q11.2.
Variant type: single nucleotide variant.
Coding change: c.1605A>G on transcript NM_000257.4 (MANE Select); coding-DNA position 1605, A replaced by G.
Protein change: p.Glu535=; no amino-acid change (glutamic acid 535 retained).
Molecular consequence: synonymous variant.
Genome position (GRCh38, 1-based): chr14:23,427,868, T>C on the plus strand (A>G on the coding strand, the complement: MYH7 is on the minus strand). VCF-style: chr14-23427868-T-C. GRCh37 (hg19) VCF-style: chr14-23897077-T-C.
Other names: NM_000257.3(MYH7):c.1605A>G.
Identifiers: ClinVar variation 42853 (VCV000042853.50), dbSNP rs2069543, ClinGen allele CA011032.
Genomic context (GRCh38, chr14:23,427,868, plus strand): 5'-GTTGTCAAACAGCTTGGCCTTGAAGGTCATGTCGGTGGCCTTGGGGAACATGCACTCCTC[T>C]TCCAGGATGGACATGATGCCCATGGGCTGAGGAAGCAGGAGAGAGCATCACTGAGTGTCC-3'
Protein context (NP_000248.2, residues 525-545): EKPMGIMSIL[Glu535=]EECMFPKATD